The following is an entry in ClinVar:

NM_001330078.2(NRXN1):c.3127G>A (p.Val1043Ile)

Gene: NRXN1 (neurexin 1; minus strand). Cytogenetic location: 2p16.3.
Variant type: single nucleotide variant.
Coding change: c.3127G>A on transcript NM_001330078.2 (MANE Select); coding-DNA position 3127, G replaced by A.
Protein change: p.Val1043Ile; replaces valine 1043 with isoleucine.
Molecular consequence: missense variant.
Genome position (GRCh38, 1-based): chr2:50,472,415, C>T on the plus strand (G>A on the coding strand, the complement: NRXN1 is on the minus strand). VCF-style: chr2-50472415-C-T. GRCh37 (hg19) VCF-style: chr2-50699553-C-T.
Other names: c.3247G>A, p.Val1083Ile (NM_001135659.3); c.3103G>A, p.Val1035Ile (NM_001330077.2, NM_001330082.2); c.3061G>A, p.Val1021Ile (NM_001330083.2, NM_001330084.2); c.3100G>A, p.Val1034Ile (NM_001330085.2); c.3127G>A, p.Val1043Ile (NM_001330086.2, NM_004801.6); c.3016G>A, p.Val1006Ile (NM_001330087.2, NM_001330096.2); c.3046G>A, p.Val1016Ile (NM_001330088.2); c.3124G>A, p.Val1042Ile (NM_001330093.2); and 2 more; short protein forms V1016I, V1021I, V1034I, V1043I, V1026I, V1042I, V1083I, V1006I.
Identifiers: ClinVar variation 3699652 (VCV003699652.2).

ClinVar aggregate classification (germline): Uncertain significance (1 of 4 stars; one submission).

Conditions:
Pitt-Hopkins-like syndrome 2 (PTHSL2). Identifiers: Orphanet 221150, Orphanet 600663, MedGen C3280479, MONDO:0013690, OMIM 614325.

gnomAD v4.1: 2 of 1,612,098 alleles (0.00012%); highest among the groups gnomAD compares: Non-Finnish European, 0.000085%; no homozygotes.

Submission:

Labcorp Genetics (formerly Invitae), Labcorp
Classification: Uncertain significance for Pitt-Hopkins-like syndrome 2. Last evaluated: 2024-04-03. Review status: criteria provided, single submitter. Criteria: Invitae Variant Classification Sherloc (09022015). Collection method: clinical testing. Allele origin: germline.
Comment: This sequence change replaces valine, which is neutral and non-polar, with isoleucine, which is neutral and non-polar, at codon 1083 of the NRXN1 protein (p.Val1083Ile). This variant is present in population databases (no rsID available, gnomAD 0.0009%). This variant has not been reported in the literature in individuals affected with NRXN1-related conditions. An algorithm developed to predict the effect of missense changes on protein structure and function (PolyPhen-2) suggests that this variant is likely to be tolerated. In summary, the available evidence is currently insufficient to determine the role of this variant in disease. Therefore, it has been classified as a Variant of Uncertain Significance.